The following is an entry in ClinVar:

NM_005609.4(PYGM):c.193G>T (p.Val65Leu)

Gene: PYGM (glycogen phosphorylase, muscle associated; minus strand). Cytogenetic location: 11q13.1.
Variant type: single nucleotide variant.
Coding change: c.193G>T on transcript NM_005609.4 (MANE Select); coding-DNA position 193, G replaced by T.
Protein change: p.Val65Leu; replaces valine 65 with leucine.
Molecular consequence: missense variant.
Genome position (GRCh38, 1-based): chr11:64,759,706, C>A on the plus strand (G>T on the coding strand, the complement: PYGM is on the minus strand). VCF-style: chr11-64759706-C-A. GRCh37 (hg19) VCF-style: chr11-64527178-C-A.
Other names: c.193G>T, p.Val65Leu (NM_001164716.1); short protein forms V65L.
Identifiers: ClinVar variation 4725525 (VCV004725525.1).

ClinVar aggregate classification (germline): Uncertain significance (1 of 4 stars; one submission).

Conditions:
Glycogen storage disease, type V (GSD5). Also called: MCARDLE DISEASE; MUSCLE GLYCOGEN PHOSPHORYLASE DEFICIENCY; MYOPHOSPHORYLASE DEFICIENCY; PYGM DEFICIENCY; McArdle type glycogen storage disease. Identifiers: Orphanet 368, MedGen C0017924, MONDO:0009293, OMIM 232600.

gnomAD v4.1: 3 of 1,614,154 alleles (0.00019%); highest among the groups gnomAD compares: Admixed American, 0.005%; no homozygotes.

Submission:

Labcorp Genetics (formerly Invitae), Labcorp
Classification: Uncertain significance for Glycogen storage disease, type V. Last evaluated: 2025-07-02. Review status: criteria provided, single submitter. Criteria: Invitae Variant Classification Sherloc (09022015). Collection method: clinical testing. Allele origin: germline.
Comment: This sequence change replaces valine, which is neutral and non-polar, with leucine, which is neutral and non-polar, at codon 65 of the PYGM protein (p.Val65Leu). This variant is present in population databases (rs149658961, gnomAD 0.003%). This variant has not been reported in the literature in individuals affected with PYGM-related conditions. Invitae Evidence Modeling of protein sequence and biophysical properties (such as structural, functional, and spatial information, amino acid conservation, physicochemical variation, residue mobility, and thermodynamic stability) indicates that this missense variant is not expected to disrupt PYGM protein function with a negative predictive value of 80%. In summary, the available evidence is currently insufficient to determine the role of this variant in disease. Therefore, it has been classified as a Variant of Uncertain Significance.